The following is an entry in ClinVar:

NM_000487.6(ARSA):c.196G>A (p.Val66Met)

Gene: ARSA (arylsulfatase A; minus strand). Cytogenetic location: 22q13.33.
Variant type: single nucleotide variant.
Coding change: c.196G>A on transcript NM_000487.6 (MANE Select); coding-DNA position 196, G replaced by A.
Protein change: p.Val66Met; replaces valine 66 with methionine.
Molecular consequence: missense variant. On other transcripts: intron variant (2).
Genome position (GRCh38, 1-based): chr22:50,627,584, C>T on the plus strand (G>A on the coding strand, the complement: ARSA is on the minus strand). VCF-style: chr22-50627584-C-T. GRCh37 (hg19) VCF-style: chr22-51066012-C-T.
Other names: c.196G>A, p.Val66Met (NM_001085425.3, NM_001085426.3, NM_001085427.3); c.-34-178G>A (NM_001362782.2, NM_001085428.3); c.196G>A (NM_000487.5); short protein forms V66M.
Identifiers: ClinVar variation 1945360 (VCV001945360.5), dbSNP rs2082697969, ClinGen allele CA412182253.

ClinVar aggregate classification (germline): Uncertain significance. Review status: criteria provided, multiple submitters, no conflicts (2 of 4 stars). 2 submissions from 2 submitters: Uncertain significance (2). Last evaluated 2024-10-16.

Conditions:
Metachromatic leukodystrophy (MLD). Also called: Cerebral sclerosis diffuse metachromatic form; Arylsulfatase A Deficiency; METACHROMATIC LEUKOENCEPHALOPATHY; SULFATIDE LIPIDOSIS; ARSA DEFICIENCY; CEREBROSIDE SULFATASE DEFICIENCY. Identifiers: Orphanet 512, MedGen C0023522, MONDO:0018868, OMIM 250100.
Inborn genetic diseases. Identifiers: MedGen C0950123, MeSH D030342.

Submissions (2):

Labcorp Genetics (formerly Invitae), Labcorp
Classification: Uncertain significance for Metachromatic leukodystrophy. Last evaluated: 2024-10-16. Review status: criteria provided, single submitter. Criteria: Invitae Variant Classification Sherloc (09022015). Collection method: clinical testing. Allele origin: germline.
Comment: This sequence change replaces valine, which is neutral and non-polar, with methionine, which is neutral and non-polar, at codon 66 of the ARSA protein (p.Val66Met). This variant is not present in population databases (gnomAD no frequency). This variant has not been reported in the literature in individuals affected with ARSA-related conditions. ClinVar contains an entry for this variant (Variation ID: 1945360). Invitae Evidence Modeling of protein sequence and biophysical properties (such as structural, functional, and spatial information, amino acid conservation, physicochemical variation, residue mobility, and thermodynamic stability) indicates that this missense variant is expected to disrupt ARSA protein function with a positive predictive value of 95%. In summary, the available evidence is currently insufficient to determine the role of this variant in disease. Therefore, it has been classified as a Variant of Uncertain Significance.

Ambry Genetics
Classification: Uncertain significance for Inborn genetic diseases. Last evaluated: 2024-09-03. Review status: criteria provided, single submitter. Criteria: Ambry Variant Classification Scheme 2023. Collection method: clinical testing. Allele origin: germline.